The following is an entry in ClinVar:

ClinVar aggregate classification (germline): Pathogenic (1 of 4 stars; one submission).

Conditions:
Norman-Roberts syndrome (LIS2). Also called: Lissencephaly 2 (Norman-Roberts type). Identifiers: Orphanet 89844, MedGen C0796089, MONDO:0009760, OMIM 257320.
Familial temporal lobe epilepsy 7. Identifiers: Orphanet 101046, MedGen C4225327, MONDO:0014639, OMIM 616436.

Submission:

Labcorp Genetics (formerly Invitae), Labcorp
Classification: Pathogenic for Familial temporal lobe epilepsy 7; Norman-Roberts syndrome. Last evaluated: 2022-07-26. Review status: criteria provided, single submitter. Criteria: Invitae Variant Classification Sherloc (09022015). Collection method: clinical testing. Allele origin: germline.
Comment: For these reasons, this variant has been classified as Pathogenic. This variant has not been reported in the literature in individuals affected with autosomal recessive RELN-related conditions. Similar deletions have been reported in individual(s) with autosomal dominant developmental delay and intellectual disability (PMID: 17124408); however, the role of the variant in this condition is currently unclear. A gross deletion of the genomic region encompassing the full coding sequence of the RELN gene has been identified. Loss-of-function variants in RELN are known to be pathogenic (PMID: 10973257, 26046367, 28454995). The boundaries of this event are unknown as they extend beyond the assayed region for this gene and therefore may encompass additional genes.

Literature cited by the submitters: PubMed 17124408; PubMed 10973257; PubMed 26046367; PubMed 28454995.

NC_000007.13:g.(?_102937907)_(103629803_?)del

Genes: PSMC2 (proteasome 26S subunit, ATPase 2; plus strand), DNAJC2 (DnaJ heat shock protein family (Hsp40) member C2; minus strand), PMPCB (peptidase, mitochondrial processing subunit beta; plus strand), RELN (reelin; minus strand), SLC26A5 (solute carrier family 26 member 5; minus strand). Cytogenetic location: 7q22.1.
Variant type: Deletion.
Identifiers: ClinVar variation 1459935 (VCV001459935.5).